The following is an entry in ClinVar:

NM_144997.7(FLCN):c.1055_1057del (p.Met352del)

Gene: FLCN (folliculin; minus strand). Cytogenetic location: 17p11.2.
Variant type: Deletion.
Coding change: c.1055_1057del on transcript NM_144997.7 (MANE Select); coding-DNA positions 1055 to 1057, 3 bases deleted (TGA; older notation c.1055_1057delTGA).
Protein change: p.Met352del; deletes methionine 352.
Molecular consequence: inframe deletion.
Genome position (GRCh38, 1-based): chr17:17,219,024-17,219,026, TCA deleted on the plus strand (TGA on the coding strand, the reverse complement: FLCN is on the minus strand); deleting any 3 consecutive bases within chr17:17,219,024-17,219,027 gives the same sequence; the c. name uses the placement nearest the transcript's 3' end. VCF-style (leftmost placement, unchanged base first): chr17-17219023-CTCA-C. GRCh37 (hg19) VCF-style: chr17-17122337-CTCA-C.
Other names: c.1109_1111del, p.Met370del (NM_001353229.2); c.1055_1057del, p.Met352del (NM_001353230.2, NM_001353231.2); short protein forms M352del, M370del.
Identifiers: ClinVar variation 1388109 (VCV001388109.6), dbSNP rs2144893205, ClinGen allele CA2573153087.
Genomic context (GRCh38, chr17:17,219,023, plus strand): 5'-AGCCCATGACTGGCTCTCCTCCTGAGCTCCTGATGCGCTGTGCCCCTGCCGCCTACCTGC[CTCA>C]TGTGCCGGAGGGACTTGAAGACTGGCAGCTTCCGGGGCTGCCAGCTCCCACAGCCTGAGA-3'

ClinVar aggregate classification (germline): Uncertain significance (1 of 4 stars; one submission).

Conditions:
Birt-Hogg-Dube syndrome. Also called: Birt Hogg Dubé syndrome. Identifiers: Orphanet 122, MedGen C0346010, MONDO:0800444.

Submission:

Labcorp Genetics (formerly Invitae), Labcorp
Classification: Uncertain significance for Birt-Hogg-Dube syndrome. Last evaluated: 2021-10-20. Review status: criteria provided, single submitter. Criteria: Invitae Variant Classification Sherloc (09022015). Collection method: clinical testing. Allele origin: germline.
Comment: This variant, c.1055_1057del, results in the deletion of 1 amino acid(s) of the FLCN protein (p.Met352del), but otherwise preserves the integrity of the reading frame. This variant is not present in population databases (gnomAD no frequency). This variant has not been reported in the literature in individuals affected with FLCN-related conditions. Experimental studies and prediction algorithms are not available or were not evaluated, and the functional significance of this variant is currently unknown. In summary, the available evidence is currently insufficient to determine the role of this variant in disease. Therefore, it has been classified as a Variant of Uncertain Significance.